The following is an entry in ClinVar:

NM_201384.3(PLEC):c.13216G>T (p.Val4406Leu)

Gene: PLEC (plectin; minus strand). Cytogenetic location: 8q24.3.
Variant type: single nucleotide variant.
Coding change: c.13216G>T on transcript NM_201384.3 (MANE Select); coding-DNA position 13216, G replaced by T.
Protein change: p.Val4406Leu; replaces valine 4406 with leucine.
Molecular consequence: missense variant.
Genome position (GRCh38, 1-based): chr8:143,916,605, C>A on the plus strand (G>T on the coding strand, the complement: PLEC is on the minus strand). VCF-style: chr8-143916605-C-A. GRCh37 (hg19) VCF-style: chr8-144990773-C-A.
Other names: c.9916G>T, p.Val3306Leu (NM_001410941.1); c.13174G>T, p.Val4392Leu (NM_201378.4); c.13150G>T, p.Val4384Leu (NM_201379.3); c.13627G>T, p.Val4543Leu (NM_201380.4); c.13120G>T, p.Val4374Leu (NM_201381.3); c.13297G>T, p.Val4433Leu (NM_000445.5); c.13216G>T, p.Val4406Leu (NM_201382.4); c.13228G>T, p.Val4410Leu (NM_201383.3); short protein forms V4374L, V4392L, V4406L, V4410L, V4433L, V4384L, V3306L, V4543L.
Identifiers: ClinVar variation 2941516 (VCV002941516.3), dbSNP rs782059675, ClinGen allele CA372475950.

ClinVar aggregate classification (germline): Uncertain significance (1 of 4 stars; one submission).

Conditions:
Epidermolysis bullosa simplex with nail dystrophy (EBS5D). Identifiers: MedGen C4225309, MONDO:0014661, OMIM 616487.
Epidermolysis bullosa simplex, Ogna type (EBS5A). Also called: Pidermolysis bullosa simplex 5A, Ogna type; EPIDERMOLYSIS BULLOSA SIMPLEX 5A, OGNA TYPE. Identifiers: Orphanet 79401, MedGen C0432317, MONDO:0007555, OMIM 131950.
Autosomal recessive limb-girdle muscular dystrophy type 2Q (LGMDR17). Also called: MUSCULAR DYSTROPHY, LIMB-GIRDLE, AUTOSOMAL RECESSIVE 17. Identifiers: Orphanet 254361, MedGen C3150989, MONDO:0013390, OMIM 613723.
Epidermolysis bullosa simplex 5B, with muscular dystrophy (EBS5B). Also called: EPIDERMOLYSIS BULLOSA SIMPLEX AND LIMB-GIRDLE MUSCULAR DYSTROPHY; Epidermolysis bullosa simplex with muscular dystrophy. Identifiers: Orphanet 257, MedGen C2931072, MONDO:0009181, OMIM 226670.
Epidermolysis bullosa simplex 5C, with pyloric atresia (EBS5C). Also called: PLEC-Related Epidermolysis Bullosa with Pyloric Atresia; Epidermolysis bullosa simplex with pyloric atresia; PLEC1-Related Epidermolysis Bullosa with Pyloric Atresia. Identifiers: Orphanet 158684, MedGen C2677349, MONDO:0012807, OMIM 612138.

Submission:

Labcorp Genetics (formerly Invitae), Labcorp
Classification: Uncertain significance for Autosomal recessive limb-girdle muscular dystrophy type 2Q; Epidermolysis bullosa simplex, Ogna type; Epidermolysis bullosa simplex with nail dystrophy; Epidermolysis bullosa simplex 5C, with pyloric atresia; Epidermolysis bullosa simplex 5B, with muscular dystrophy. Last evaluated: 2022-11-12. Review status: criteria provided, single submitter. Criteria: Invitae Variant Classification Sherloc (09022015). Collection method: clinical testing. Allele origin: germline.
Comment: In summary, the available evidence is currently insufficient to determine the role of this variant in disease. Therefore, it has been classified as a Variant of Uncertain Significance. This variant has not been reported in the literature in individuals affected with PLEC-related conditions. Advanced modeling of protein sequence and biophysical properties (such as structural, functional, and spatial information, amino acid conservation, physicochemical variation, residue mobility, and thermodynamic stability) performed at Invitae indicates that this missense variant is not expected to disrupt PLEC protein function. This variant is not present in population databases (gnomAD no frequency). This sequence change replaces valine, which is neutral and non-polar, with leucine, which is neutral and non-polar, at codon 4433 of the PLEC protein (p.Val4433Leu).